The following is an entry in ClinVar:

ClinVar aggregate classification (germline): Uncertain significance (1 of 4 stars; one submission).

Conditions:
Cardiovascular phenotype. Identifiers: MedGen CN230736.

Submission:

Ambry Genetics
Classification: Uncertain significance for Cardiovascular phenotype. Last evaluated: 2025-08-03. Review status: criteria provided, single submitter. Criteria: Ambry Variant Classification Scheme 2023. Collection method: clinical testing. Allele origin: germline.
Comment: The p.M19T variant (also known as c.56T>C), located in coding exon 1 of the MYOZ2 gene, results from a T to C substitution at nucleotide position 56. The methionine at codon 19 is replaced by threonine, an amino acid with similar properties. This amino acid position is conserved. In addition, this alteration is predicted to be tolerated by in silico analysis. Based on the available evidence, the clinical significance of this variant remains unclear.

NM_016599.5(MYOZ2):c.56T>C (p.Met19Thr)

Gene: MYOZ2 (myozenin 2; plus strand). Cytogenetic location: 4q26.
Variant type: single nucleotide variant.
Coding change: c.56T>C on transcript NM_016599.5 (MANE Select); coding-DNA position 56, T replaced by C.
Protein change: p.Met19Thr; replaces methionine 19 with threonine.
Molecular consequence: missense variant.
Genome position (GRCh38, 1-based): chr4:119,136,581, T>C. VCF-style: chr4-119136581-T-C. GRCh37 (hg19) VCF-style: chr4-120057736-T-C.
Other names: short protein forms M19T.
Identifiers: ClinVar variation 3877239 (VCV003877239.2).